The following is an entry in ClinVar:

NM_020318.3(PAPPA2):c.1732C>T (p.Arg578Ter)

Gene: PAPPA2 (pappalysin 2; plus strand). Cytogenetic location: 1q25.2.
Variant type: single nucleotide variant.
Coding change: c.1732C>T on transcript NM_020318.3 (MANE Select); coding-DNA position 1732, C replaced by T.
Protein change: p.Arg578Ter; replaces arginine 578 with a stop codon.
Molecular consequence: nonsense.
Genome position (GRCh38, 1-based): chr1:176,595,336, C>T. VCF-style: chr1-176595336-C-T. GRCh37 (hg19) VCF-style: chr1-176564472-C-T.
Other names: c.1732C>T, p.Arg578Ter (NM_021936.3); short protein forms R578*.
Identifiers: ClinVar variation 1339833 (VCV001339833.7), dbSNP rs375941290, ClinGen allele CA1257347.

ClinVar aggregate classification (germline): Pathogenic (1 of 4 stars; one submission).

Allele frequency attached by ClinVar (database versions not stated): ExAC 0.00002; gnomAD 0.00003; TOPMed 0.00004; ESP Exome Variant Server 0.00016.
gnomAD v4.1: 22 of 1,614,022 alleles (0.0014%); highest among the groups gnomAD compares: East Asian, 0.0045%; no homozygotes.

Submission:

GeneDx
Classification: Pathogenic. Last evaluated: 2025-07-23. Review status: criteria provided, single submitter. Criteria: GeneDx Variant Classification Process June 2021. Collection method: clinical testing. Allele origin: germline. Affected: yes.
Comment: Has not been previously published as pathogenic or benign to our knowledge; Nonsense variant predicted to result in protein truncation or nonsense mediated decay in a gene for which loss of function is a known mechanism of disease